The following is an entry in ClinVar:

ClinVar aggregate classification (germline): Pathogenic (1 of 4 stars; one submission).

Conditions:
Hereditary cancer-predisposing syndrome. Also called: Neoplastic Syndromes, Hereditary; Tumor predisposition; Hereditary Cancer Syndrome; Hereditary neoplastic syndrome. Identifiers: Orphanet 140162, MedGen C0027672, MeSH D009386, MONDO:0015356.

Submission:

Ambry Genetics
Classification: Pathogenic for Hereditary cancer-predisposing syndrome. Last evaluated: 2021-03-19. Review status: criteria provided, single submitter. Criteria: Ambry Variant Classification Scheme 2023. Collection method: clinical testing. Allele origin: germline.
Comment: The c.2907_2938del32insCATGGAC pathogenic mutation, located in coding exon 9 of the BRCA1 gene, results from the deletion of 32 nucleotides and insertion of 7 nucleotides causing a translational frameshift with a predicted alternate stop codon (p.K970Mfs*22). This alteration is expected to result in loss of function by premature protein truncation or nonsense-mediated mRNA decay. As such, this alteration is interpreted as a disease-causing mutation.

NM_007294.4(BRCA1):c.2907_2938delinsCATGGAC (p.Lys970fs)

Gene: BRCA1 (BRCA1 DNA repair associated; minus strand). Cytogenetic location: 17q21.31.
Variant type: Indel.
Coding change: c.2907_2938delinsCATGGAC on transcript NM_007294.4 (MANE Select); coding-DNA positions 2907 to 2938, the reference bases replaced by CATGGAC.
Protein change: p.Lys970fs; shifts the reading frame from lysine 970.
Molecular consequence: frameshift variant. On other transcripts: intron variant (137).
Genome position (GRCh38, 1-based): chr17:43,092,593-43,092,624, 32 bases replaced. GRCh37 (hg19): chr17:41,244,610-41,244,641.
Other names: c.2694_2725delinsCATGGAC, p.Lys899fs (NM_001407571.1, NM_001407853.1, NM_001407894.1 and 9 more transcripts); c.2907_2938delinsCATGGAC, p.Lys970fs (NM_001407581.1, NM_001407582.1, NM_001407583.1 and 30 more transcripts); c.2904_2935delinsCATGGAC, p.Lys969fs (NM_001407587.1, NM_001407590.1, NM_001407591.1 and 22 more transcripts); c.2898_2929delinsCATGGAC, p.Lys967fs (NM_001407646.1, NM_001407647.1); c.2784_2815delinsCATGGAC, p.Lys929fs (NM_001407648.1, NM_001407664.1, NM_001407665.1 and 19 more transcripts); c.2781_2812delinsCATGGAC, p.Lys928fs (NM_001407649.1, NM_001407670.1, NM_001407671.1 and 11 more transcripts); c.2829_2860delinsCATGGAC, p.Lys944fs (NM_001407653.1, NM_001407654.1, NM_001407655.1 and 4 more transcripts); c.2826_2857delinsCATGGAC, p.Lys943fs (NM_001407659.1, NM_001407660.1, NM_001407661.1 and 1 more transcripts); and 41 more; short protein forms K923fs, K970fs, K802fs, K858fs, K859fs, K944fs, K881fs, K882fs.
Identifiers: ClinVar variation 1797519 (VCV001797519.2), dbSNP rs2552180629, ClinGen allele CA2580093936.
Genomic context (GRCh38, chr17:43,092,593, plus strand): 5'-CTAGCAGATTTTTCTTACATTTAGTTTTAACAAATGACTTGATGGGAAAAAGTGGTGGTA[TACGATATGGGTTTTGTAAAAGTCCATGTTTA>GTCCATG]TTTGGAGTAATGAGTCCAGTTTCGTTGCCTCTGAACTGAGATGATAGACAAAACCTAGAG-3'